The following is an entry in ClinVar:

ClinVar aggregate classification (germline): Uncertain significance. Review status: criteria provided, multiple submitters, no conflicts (2 of 4 stars). 3 submissions from 3 submitters: Uncertain significance (3). Last evaluated 2025-09-26.

Conditions:
Aicardi-Goutieres syndrome 6 (AGS6). Identifiers: Orphanet 51, MedGen C3539013, MONDO:0014007, OMIM 615010.
Symmetrical dyschromatosis of extremities (DSH). Also called: SYMMETRIC DYSCHROMATOSIS OF THE EXTREMITIES; DYSCHROMATOSIS SYMMETRICA HEREDITARIA 1; Dyschromatosis symmetrica hereditaria; RETICULATE ACROPIGMENTATION OF DOHI. Identifiers: Orphanet 41, MedGen C0406775, MONDO:0007483, OMIM 127400.

Allele frequency attached by ClinVar (database versions not stated): gnomAD exomes below 0.00001; TOPMed below 0.00001; gnomAD 0.00001; ESP Exome Variant Server 0.00008.
gnomAD v4.1: 7 of 1,613,950 alleles (0.00043%); highest among the groups gnomAD compares: East Asian, 0.0022%; no homozygotes.

Submissions (3):

Labcorp Genetics (formerly Invitae), Labcorp
Classification: Uncertain significance for Aicardi-Goutieres syndrome 6; Symmetrical dyschromatosis of extremities. Last evaluated: 2025-09-26. Review status: criteria provided, single submitter. Criteria: Invitae Variant Classification Sherloc (09022015). Collection method: clinical testing. Allele origin: germline.
Comment: This sequence change replaces alanine, which is neutral and non-polar, with threonine, which is neutral and polar, at codon 774 of the ADAR protein (p.Ala774Thr). This variant is present in population databases (rs368419418, gnomAD 0.007%). This variant has not been reported in the literature in individuals affected with ADAR-related conditions. ClinVar contains an entry for this variant (Variation ID: 1462749). Invitae Evidence Modeling of protein sequence and biophysical properties (such as structural, functional, and spatial information, amino acid conservation, physicochemical variation, residue mobility, and thermodynamic stability) has been performed for this missense variant. However, the output from this modeling did not meet the statistical confidence thresholds required to predict the impact of this variant on ADAR protein function. In summary, the available evidence is currently insufficient to determine the role of this variant in disease. Therefore, it has been classified as a Variant of Uncertain Significance.

Dasa
Classification: Uncertain significance. Last evaluated: 2025-02-07. Review status: criteria provided, single submitter. Criteria: DASA Assertion Criteria. Collection method: clinical testing. Allele origin: germline.
Comment: NM_001111.5(ADAR):c.2320G>A (p.Ala774Thr) is a missense variant that results in the substitution of alanine with threonine. This variant is rare in population databases. Computational prediction algorithms are consistent with a deleterious effect. The currently available literature and clinical evidence are not sufficient to establish a definitive association between this variant and the reported condition. Therefore, this variant is classified as a variant of uncertain significance.

Blueprint Genetics
Classification: Uncertain significance. Last evaluated: 2021-02-12. Review status: criteria provided, single submitter. Criteria: ACMG Guidelines, 2015. Collection method: clinical testing. Allele origin: germline.

NM_001111.5(ADAR):c.2320G>A (p.Ala774Thr)

Gene: ADAR (adenosine deaminase RNA specific; minus strand). Cytogenetic location: 1q21.3.
Variant type: single nucleotide variant.
Coding change: c.2320G>A on transcript NM_001111.5 (MANE Select); coding-DNA position 2320, G replaced by A.
Protein change: p.Ala774Thr; replaces alanine 774 with threonine.
Molecular consequence: missense variant.
Genome position (GRCh38, 1-based): chr1:154,590,360, C>T on the plus strand (G>A on the coding strand, the complement: ADAR is on the minus strand). VCF-style: chr1-154590360-C-T. GRCh37 (hg19) VCF-style: chr1-154562836-C-T.
Other names: c.1435G>A, p.Ala479Thr (NM_001025107.3, NM_001193495.2, NM_001365046.1 and 3 more transcripts); c.2347G>A, p.Ala783Thr (NM_001365045.1); c.2320G>A, p.Ala774Thr (NM_015840.4); c.2263G>A, p.Ala755Thr (NM_015841.4); short protein forms A479T, A774T, A783T, A755T.
Identifiers: ClinVar variation 1462749 (VCV001462749.9), dbSNP rs368419418, ClinGen allele CA1131314.